The following is an entry in ClinVar:

NM_001386298.1(CIC):c.5744A>G (p.Tyr1915Cys)

Gene: CIC (capicua transcriptional repressor; plus strand). Cytogenetic location: 19q13.2.
Variant type: single nucleotide variant.
Coding change: c.5744A>G on transcript NM_001386298.1 (MANE Select); coding-DNA position 5744, A replaced by G.
Protein change: p.Tyr1915Cys; replaces tyrosine 1915 with cysteine.
Molecular consequence: missense variant.
Genome position (GRCh38, 1-based): chr19:42,292,308, A>G. VCF-style: chr19-42292308-A-G. GRCh37 (hg19) VCF-style: chr19-42796460-A-G.
Other names: c.5744A>G, p.Tyr1915Cys (NM_001304815.2, NM_001379480.1, NM_001379482.1 and 6 more transcripts); c.3017A>G, p.Tyr1006Cys (NM_001379484.1, NM_001379485.1, NM_001439189.1 and 3 more transcripts); short protein forms Y1006C, Y1915C.
Identifiers: ClinVar variation 4082289 (VCV004082289.1).
Genomic context (GRCh38, chr19:42,292,308, plus strand): 5'-GTGGGGCGGGGCCGGCTTACCTCACTCCTCCCCATTTCCTCTCCTGCGGCAGAATCACCT[A>G]TGTGCAGTCAGCGGGCGGGCACGCGCTGCCCCTGGGTACCAGCCCTGCGTCCAGCCAGGC-3'
Protein context (NP_001373227.1, residues 1905-1925): VLLPSSTRIT[Tyr1915Cys]VQSAGGHALP

ClinVar aggregate classification (germline): Uncertain significance (1 of 4 stars; one submission).

Conditions:
Intellectual developmental disorder with behavioral abnormalities and craniofacial dysmorphism with or without seizures. Identifiers: MedGen C5231476, MONDO:0032883, OMIM 618725.

gnomAD v4.1: 2 of 1,613,120 alleles (0.00012%); highest among the groups gnomAD compares: East Asian, 0.0045%; no homozygotes.

Submission:

Medical Genetics Center, Maternal and Child Health Hospital of Hubei Province
Classification: Uncertain significance for Intellectual developmental disorder with behavioral abnormalities and craniofacial dysmorphism with or without seizures. Last evaluated: 2023-11-10. Review status: criteria provided, single submitter. Criteria: ACMG Guidelines, 2015. Collection method: clinical testing. Allele origin: de novo. Affected: yes.
Comment: PS2_Supporting + PM2_Supporting